The following is an entry in ClinVar:

NM_001290321.3(DMXL1):c.4427A>G (p.Tyr1476Cys)

Gene: DMXL1 (Dmx like 1; plus strand). Cytogenetic location: 5q23.1.
Variant type: single nucleotide variant.
Coding change: c.4427A>G on transcript NM_001290321.3 (MANE Select); coding-DNA position 4427, A replaced by G.
Protein change: p.Tyr1476Cys; replaces tyrosine 1476 with cysteine.
Molecular consequence: missense variant. On other transcripts: non-coding transcript variant (3).
Genome position (GRCh38, 1-based): chr5:119,150,254, A>G. VCF-style: chr5-119150254-A-G. GRCh37 (hg19) VCF-style: chr5-118485949-A-G.
Other names: c.4427A>G, p.Tyr1476Cys (NM_001349239.2, NM_001349240.2, NM_001387933.1 and 2 more transcripts); c.3722A>G, p.Tyr1241Cys (NM_001387937.1); c.3440A>G, p.Tyr1147Cys (NM_001387938.1); short protein forms Y1147C, Y1241C, Y1476C.
Identifiers: ClinVar variation 3041619 (VCV003041619.2), dbSNP rs140357865, ClinGen allele CA3380113.

ClinVar aggregate classification (germline): Benign (0 of 4 stars; one submission).

Conditions:
DMXL1-related disorder. Also called: DMXL1-related condition.

Allele frequency attached by ClinVar (database versions not stated): gnomAD exomes 0.00028; ExAC 0.00102; ESP Exome Variant Server 0.00200; 1000 Genomes Project 0.00280; 1000 Genomes Project 30x 0.00297; gnomAD 0.00352; TOPMed 0.00383.
gnomAD v4.1: 985 of 1,613,882 alleles (0.061%); highest among the groups gnomAD compares: African/African-American, 1.1%; 10 homozygotes.

Submission:

PreventionGenetics, part of Exact Sciences
Classification: Benign for DMXL1-related condition. Last evaluated: 2019-05-31. Review status: no assertion criteria provided. Collection method: clinical testing. Allele origin: germline.
Comment: This variant is classified as benign based on ACMG/AMP sequence variant interpretation guidelines (Richards et al. 2015 PMID: 25741868, with internal and published modifications).